The following is an entry in ClinVar:

ClinVar aggregate classification (germline): Uncertain significance (1 of 4 stars; one submission).

Allele frequency attached by ClinVar (database versions not stated): TOPMed below 0.00001; gnomAD 0.00001; ExAC 0.00002.
gnomAD v4.1: 10 of 1,614,080 alleles (0.00062%); highest among the groups gnomAD compares: Admixed American, 0.013%; no homozygotes.

Submission:

Labcorp Genetics (formerly Invitae), Labcorp
Classification: Uncertain significance. Last evaluated: 2022-08-06. Review status: criteria provided, single submitter. Criteria: Invitae Variant Classification Sherloc (09022015). Collection method: clinical testing. Allele origin: germline.
Comment: In summary, the available evidence is currently insufficient to determine the role of this variant in disease. Therefore, it has been classified as a Variant of Uncertain Significance. Algorithms developed to predict the effect of missense changes on protein structure and function are either unavailable or do not agree on the potential impact of this missense change (SIFT: "Tolerated"; PolyPhen-2: "Possibly Damaging"; Align-GVGD: "Class C0"). This variant has not been reported in the literature in individuals affected with ARHGAP31-related conditions. This variant is present in population databases (rs759737166, gnomAD 0.02%). This sequence change replaces proline, which is neutral and non-polar, with threonine, which is neutral and polar, at codon 1335 of the ARHGAP31 protein (p.Pro1335Thr).

NM_020754.4(ARHGAP31):c.4003C>A (p.Pro1335Thr)

Gene: ARHGAP31 (Rho GTPase activating protein 31; plus strand). Cytogenetic location: 3q13.33.
Variant type: single nucleotide variant.
Coding change: c.4003C>A on transcript NM_020754.4 (MANE Select); coding-DNA position 4003, C replaced by A.
Protein change: p.Pro1335Thr; replaces proline 1335 with threonine.
Molecular consequence: missense variant.
Genome position (GRCh38, 1-based): chr3:119,415,932, C>A. VCF-style: chr3-119415932-C-A. GRCh37 (hg19) VCF-style: chr3-119134779-C-A.
Other names: short protein forms P1335T.
Identifiers: ClinVar variation 1975393 (VCV001975393.5), dbSNP rs759737166, ClinGen allele CA2554286.